The following is an entry in ClinVar:

NM_001042492.3(NF1):c.1756del (p.Thr586fs)

Gene: NF1 (neurofibromin 1; plus strand). Cytogenetic location: 17q11.2.
Variant type: Deletion.
Coding change: c.1756del on transcript NM_001042492.3 (MANE Select); coding-DNA position 1756, one base deleted (A; older notation c.1756delA).
Protein change: p.Thr586fs; shifts the reading frame from threonine 586.
Molecular consequence: frameshift variant.
Genome position (GRCh38, 1-based): chr17:31,223,478, A deleted; the last of 2 consecutive A bases (chr17:31,223,477-31,223,478); deleting either gives the same sequence. VCF-style (leftmost placement, unchanged base first): chr17-31223476-TA-T. GRCh37 (hg19) VCF-style: chr17-29550494-TA-T.
Other names: c.1756delA, p.Thr586Leufs (NM_000267.4); short protein forms T586fs.
Identifiers: ClinVar variation 1364690 (VCV001364690.8), dbSNP rs2144016093, ClinGen allele CA2573153231.
Genomic context (GRCh38, chr17:31,223,476, plus strand): 5'-AGTAACAATGAACTTTATGTTACTGCAGCTCACAAATGCTTTTTTACATCTGCAAGAAAT[TA>T]ACTAGTCATCAAATGCTTAGTAGCACAGAAATTCTCAAGTGGTTGCGGGAAATATTGATC-3'

ClinVar aggregate classification (germline): Pathogenic (1 of 4 stars; one submission).

Conditions:
Neurofibromatosis, type 1 (NF1). Also called: Peripheral type neurofibromatosis; Neurofibromatosis, type I; NEUROFIBROMATOSIS, TYPE I, SOMATIC; VON RECKLINGHAUSEN DISEASE. Identifiers: Orphanet 636, MedGen C0027831, MONDO:0018975, OMIM 162200. Disease mechanism: loss of function.

Submission:

Labcorp Genetics (formerly Invitae), Labcorp
Classification: Pathogenic for Neurofibromatosis, type 1. Last evaluated: 2021-05-18. Review status: criteria provided, single submitter. Criteria: Invitae Variant Classification Sherloc (09022015). Collection method: clinical testing. Allele origin: germline.
Comment: For these reasons, this variant has been classified as Pathogenic. This variant has been observed in individual(s) with neurofibromatosis type 1 (PMID: 12872266). This variant is not present in population databases (ExAC no frequency). This sequence change creates a premature translational stop signal (p.Thr586Leufs*19) in the NF1 gene. It is expected to result in an absent or disrupted protein product. Loss-of-function variants in NF1 are known to be pathogenic (PMID: 10712197, 23913538).

Literature cited by the submitters: PubMed 12872266; PubMed 10712197; PubMed 23913538.